The following is an entry in ClinVar:

NM_005726.6(TSFM):c.85C>T (p.Gln29Ter)

Gene: TSFM (Ts translation elongation factor, mitochondrial; plus strand). Cytogenetic location: 12q14.1.
Variant type: single nucleotide variant.
Coding change: c.85C>T on transcript NM_005726.6 (MANE Select); coding-DNA position 85, C replaced by T.
Protein change: p.Gln29Ter; replaces glutamine 29 with a stop codon.
Molecular consequence: nonsense.
Genome position (GRCh38, 1-based): chr12:57,783,137, C>T. VCF-style: chr12-57783137-C-T. GRCh37 (hg19) VCF-style: chr12-58176920-C-T.
Other names: c.85C>T, p.Gln29Ter (NM_001172695.2, NM_001172696.2, NM_001172697.2); c.85C>T (NM_001172696.1); short protein forms Q29*.
Identifiers: ClinVar variation 1070639 (VCV001070639.10), dbSNP rs2140413092, ClinGen allele CA385523312.

ClinVar aggregate classification (germline): Pathogenic/Likely pathogenic. Review status: criteria provided, multiple submitters, no conflicts (2 of 4 stars). 3 submissions from 3 submitters: Pathogenic (1); Likely pathogenic (2). Last evaluated 2024-08-13.

Conditions:
Fatal mitochondrial disease due to combined oxidative phosphorylation defect type 3. Also called: Combined oxidative phosphorylation deficiency 3; ENCEPHALOMYOPATHY, RESPIRATORY FAILURE, AND LACTIC ACIDOSIS. Identifiers: Orphanet 168566, MedGen C1864840, MONDO:0012512, OMIM 610505.

Allele frequency attached by ClinVar (database versions not stated): gnomAD exomes below 0.00001.

Submissions (3):

Natera, Inc.
Classification: Likely pathogenic for Combined oxidative phosphorylation deficiency 3. Last evaluated: 2024-08-13. Review status: criteria provided, single submitter. Criteria: Natera Variant Classification Schema (03/2026). Collection method: clinical testing. Allele origin: germline.
Comment: The c.85C>T variant in TSFM is a nonsense variant predicted to introduce a stop codon at amino acid 29. This variant is expected to result in nonsense mediated decay, truncation, or a dysfunctional protein product. This variant is rare in the general population with a frequency below the threshold expected for the associated phenotype(s). Given the available evidence, this variant is classified as Likely Pathogenic.

Baylor Genetics
Classification: Likely pathogenic for Fatal mitochondrial disease due to combined oxidative phosphorylation defect type 3. Last evaluated: 2023-11-29. Review status: criteria provided, single submitter. Criteria: ACMG Guidelines, 2015. Collection method: clinical testing. Allele origin: unknown.

Labcorp Genetics (formerly Invitae), Labcorp
Classification: Pathogenic. Last evaluated: 2020-07-19. Review status: criteria provided, single submitter. Criteria: Invitae Variant Classification Sherloc (09022015). Collection method: clinical testing. Allele origin: germline.
Comment: This variant has not been reported in the literature in individuals with TSFM-related conditions. Loss-of-function variants in TSFM are known to be pathogenic (PMID: 17033963, 20435138, 25037205, 27677415). For these reasons, this variant has been classified as Pathogenic. This variant is not present in population databases (ExAC no frequency). This sequence change creates a premature translational stop signal (p.Gln29*) in the TSFM gene. It is expected to result in an absent or disrupted protein product.

Literature cited by the submitters: PubMed 17033963 (cited by Labcorp Genetics (formerly Invitae), Labcorp); PubMed 20435138 (cited by Labcorp Genetics (formerly Invitae), Labcorp); PubMed 25037205 (cited by Labcorp Genetics (formerly Invitae), Labcorp); PubMed 27677415 (cited by Labcorp Genetics (formerly Invitae), Labcorp).